The following is an entry in ClinVar:

ClinVar aggregate classification (germline): Uncertain significance (1 of 4 stars; one submission).

Conditions:
Malignant hyperthermia, susceptibility to, 1 (MHS1). Also called: RYR1-Related Malignant Hyperthermia Susceptibility; Malignant hyperthermia suceptibility 1; Anesthesia related hyperthermia; Malignant hyperpyrexia; Fulminating hyperpyrexia; Pharmacogenic myopathy. Identifiers: Orphanet 423, MedGen C2930980, MONDO:0007783, OMIM 145600.

gnomAD v4.1: 1 of 1,561,468 alleles (0.000064%); highest among the groups gnomAD compares: Non-Finnish European, 0.000087%; no homozygotes.

Submission:

Color Diagnostics, LLC DBA Color Health
Classification: Uncertain significance for Malignant hyperthermia, susceptibility to, 1. Last evaluated: 2025-08-30. Review status: criteria provided, single submitter. Criteria: ACMG Guidelines, 2015. Collection method: clinical testing. Allele origin: germline.
Comment: This missense variant replaces proline with serine at codon 1591 of the RYR1 protein. Computational prediction suggests that this variant may have deleterious impact on protein structure and function. To our knowledge, functional studies have not been reported for this variant. This variant has not been reported in individuals affected with RYR1-related disorders in the literature. This variant has not been identified in the general population by the Genome Aggregation Database (gnomAD). The available evidence is insufficient to determine the role of this variant in disease conclusively. Therefore, this variant is classified as a Variant of Uncertain Significance.

NM_000540.3(RYR1):c.4771C>T (p.Pro1591Ser)

Gene: RYR1 (ryanodine receptor 1; plus strand). Cytogenetic location: 19q13.2.
Variant type: single nucleotide variant.
Coding change: c.4771C>T on transcript NM_000540.3 (MANE Select); coding-DNA position 4771, C replaced by T.
Protein change: p.Pro1591Ser; replaces proline 1591 with serine.
Molecular consequence: missense variant.
Genome position (GRCh38, 1-based): chr19:38,483,353, C>T. VCF-style: chr19-38483353-C-T. GRCh37 (hg19) VCF-style: chr19-38973993-C-T.
Other names: c.4771C>T, p.Pro1591Ser (NM_001042723.2); short protein forms P1591S.
Identifiers: ClinVar variation 4758058 (VCV004758058.1).
Genomic context (GRCh38, chr19:38,483,353, plus strand): 5'-ATCATGCCGTTGTCAGCCGCCATGTTCCAAAGCGAGCGCAAGAACCCGGCCCCGCAGTGC[C>T]CACCGCGGCTGGAGATGCAGATGCTGATGCCAGTGTCCTGGAGCCGCATGCCCAACCACT-3'
Protein context (NP_000531.2, residues 1581-1601): SERKNPAPQC[Pro1591Ser]PRLEMQMLMP